The following is an entry in ClinVar:

ClinVar aggregate classification (germline): Uncertain significance (1 of 4 stars; one submission).

Allele frequency attached by ClinVar (database versions not stated): ExAC 0.00003; gnomAD exomes 0.00004 and 0.00010; gnomAD 0.00005 and 0.00006; TOPMed 0.00005; 1000 Genomes Project 30x 0.00016; 1000 Genomes Project 0.00020.
gnomAD v4.1: 154 of 1,613,758 alleles (0.0095%); highest among the groups gnomAD compares: Non-Finnish European, 0.012%; no homozygotes.

Submission:

Labcorp Genetics (formerly Invitae), Labcorp
Classification: Uncertain significance. Last evaluated: 2021-07-29. Review status: criteria provided, single submitter. Criteria: Invitae Variant Classification Sherloc (09022015). Collection method: clinical testing. Allele origin: germline.
Comment: In summary, the available evidence is currently insufficient to determine the role of this variant in disease. Therefore, it has been classified as a Variant of Uncertain Significance. Algorithms developed to predict the effect of missense changes on protein structure and function output the following: SIFT: "Tolerated"; PolyPhen-2: "Benign"; Align-GVGD: "Class C0". The glutamine amino acid residue is found in multiple mammalian species, which suggests that this missense change does not adversely affect protein function. This missense change has been observed in individual(s) with dementia with Lewy bodies (PMID: 30777654). This variant is present in population databases (rs530863434, ExAC 0.006%). This sequence change replaces arginine with glutamine at codon 1799 of the SORL1 protein (p.Arg1799Gln). The arginine residue is moderately conserved and there is a small physicochemical difference between arginine and glutamine.

Literature cited by the submitters: PubMed 30777654.

NM_003105.6(SORL1):c.5396G>A (p.Arg1799Gln)

Gene: SORL1 (sortilin related receptor 1; plus strand). Cytogenetic location: 11q24.1.
Variant type: single nucleotide variant.
Coding change: c.5396G>A on transcript NM_003105.6 (MANE Select); coding-DNA position 5396, G replaced by A.
Protein change: p.Arg1799Gln; replaces arginine 1799 with glutamine.
Molecular consequence: missense variant.
Genome position (GRCh38, 1-based): chr11:121,612,809, G>A. VCF-style: chr11-121612809-G-A. GRCh37 (hg19) VCF-style: chr11-121483518-G-A.
Other names: short protein forms R1799Q.
Identifiers: ClinVar variation 1515016 (VCV001515016.6), dbSNP rs530863434, ClinGen allele CA6329932.